The following is an entry in ClinVar:

ClinVar aggregate classification (germline): Uncertain significance (1 of 4 stars; one submission).

gnomAD v4.1: 2 of 1,593,570 alleles (0.00013%); highest among the groups gnomAD compares: Non-Finnish European, 0.00017%; 1 homozygote.

Submission:

Labcorp Genetics (formerly Invitae), Labcorp
Classification: Uncertain significance. Last evaluated: 2022-07-15. Review status: criteria provided, single submitter. Criteria: Invitae Variant Classification Sherloc (09022015). Collection method: clinical testing. Allele origin: germline.
Comment: This sequence change replaces arginine, which is basic and polar, with glycine, which is neutral and non-polar, at codon 316 of the TSEN54 protein (p.Arg316Gly). This variant is not present in population databases (gnomAD no frequency). This variant has not been reported in the literature in individuals affected with TSEN54-related conditions. Algorithms developed to predict the effect of missense changes on protein structure and function (SIFT, PolyPhen-2, Align-GVGD) all suggest that this variant is likely to be tolerated. In summary, the available evidence is currently insufficient to determine the role of this variant in disease. Therefore, it has been classified as a Variant of Uncertain Significance.

NM_207346.3(TSEN54):c.946C>G (p.Arg316Gly)

Gene: TSEN54 (tRNA splicing endonuclease subunit 54; plus strand). Cytogenetic location: 17q25.1.
Variant type: single nucleotide variant.
Coding change: c.946C>G on transcript NM_207346.3 (MANE Select); coding-DNA position 946, C replaced by G.
Protein change: p.Arg316Gly; replaces arginine 316 with glycine.
Molecular consequence: missense variant.
Genome position (GRCh38, 1-based): chr17:75,522,027, C>G. VCF-style: chr17-75522027-C-G. GRCh37 (hg19) VCF-style: chr17-73518108-C-G.
Other names: short protein forms R316G.
Identifiers: ClinVar variation 1998930 (VCV001998930.4), dbSNP rs377207901, ClinGen allele CA401029521.
Genomic context (GRCh38, chr17:75,522,027, plus strand): 5'-TGGAACTTCGAGCAGATCTCCTTCCCCAACATGGCTTCAGACAGCCGCCACACCCTTCTG[C>G]GCGCCCCAGCCCCAGAGCTGCTCCCGGCCAACGTGGCTGGGCGGGAGACAGACGCTGAGT-3'
Protein context (NP_997229.2, residues 306-326): MASDSRHTLL[Arg316Gly]APAPELLPAN